The following is an entry in ClinVar:

NM_032119.4(ADGRV1):c.8825-246T>G

Gene: ADGRV1 (adhesion G protein-coupled receptor V1; plus strand). Cytogenetic location: 5q14.3.
Variant type: single nucleotide variant.
Coding change: c.8825-246T>G on transcript NM_032119.4 (MANE Select); 246 bases into the intron before coding-DNA position 8825, T replaced by G.
Molecular consequence: intron variant.
Genome position (GRCh38, 1-based): chr5:90,710,735, T>G. VCF-style: chr5-90710735-T-G. GRCh37 (hg19) VCF-style: chr5-90006552-T-G.
Identifiers: ClinVar variation 678801 (VCV000678801.1), dbSNP rs1993474, ClinGen allele CA12170734.

ClinVar aggregate classification (germline): Benign (1 of 4 stars; one submission).

Allele frequency attached by ClinVar (database versions not stated): TOPMed 0.56400; 1000 Genomes Project 30x 0.62430; gnomAD 0.53297; 1000 Genomes Project 0.63039.
gnomAD v4.1: 83,953 of 151,944 alleles (55%); highest among the groups gnomAD compares: East Asian, 80%; 23,702 homozygotes.

Submission:

GeneDx
Classification: Benign. Last evaluated: 2018-06-14. Review status: criteria provided, single submitter. Criteria: GeneDx Variant Classification (06012015). Collection method: clinical testing. Allele origin: germline. Affected: yes.
Comment: This variant is considered likely benign or benign based on one or more of the following criteria: it is a conservative change, it occurs at a poorly conserved position in the protein, it is predicted to be benign by multiple in silico algorithms, and/or has population frequency not consistent with disease.